The following is an entry in ClinVar:

ClinVar aggregate classification (germline): Likely benign. Review status: criteria provided, multiple submitters, no conflicts (2 of 4 stars). 2 submissions from 2 submitters: Likely benign (2). Last evaluated 2026-08-13.

Conditions:
PCNT-related disorder. Also called: PCNT-related condition.

Allele frequency attached by ClinVar (database versions not stated): gnomAD exomes 0.00001; ExAC 0.00002; gnomAD 0.00002; TOPMed 0.00002.
gnomAD v4.1: 12 of 1,609,114 alleles (0.00075%); highest among the groups gnomAD compares: Non-Finnish European, 0.00093%; no homozygotes.

Submissions (2):

PreventionGenetics, part of Exact Sciences
Classification: Likely benign for PCNT-related condition. Last evaluated: 2026-08-13. Review status: criteria provided, single submitter. Criteria: ACMG Guidelines, 2015. Collection method: clinical testing. Allele origin: germline.
Comment: This variant is classified as likely benign based on ACMG/AMP sequence variant interpretation guidelines (Richards et al. 2015 PMID: 25741868, with internal and published modifications).

Labcorp Genetics (formerly Invitae), Labcorp
Classification: Likely benign. Last evaluated: 2023-02-04. Review status: criteria provided, single submitter. Criteria: Invitae Variant Classification Sherloc (09022015). Collection method: clinical testing. Allele origin: germline.

NM_006031.6(PCNT):c.4044G>A (p.Lys1348=)

Gene: PCNT (pericentrin; plus strand). Cytogenetic location: 21q22.3.
Variant type: single nucleotide variant.
Coding change: c.4044G>A on transcript NM_006031.6 (MANE Select); coding-DNA position 4044, G replaced by A.
Protein change: p.Lys1348=; no amino-acid change (lysine 1348 retained).
Molecular consequence: synonymous variant.
Genome position (GRCh38, 1-based): chr21:46,391,204, G>A. VCF-style: chr21-46391204-G-A. GRCh37 (hg19) VCF-style: chr21-47811119-G-A.
Other names: c.4044G>A (NM_006031.5); c.3690G>A, p.Lys1230= (NM_001315529.2).
Identifiers: ClinVar variation 2970754 (VCV002970754.4), dbSNP rs748793026, ClinGen allele CA10079523.
Genomic context (GRCh38, chr21:46,391,204, plus strand): 5'-CATCTGTGTCTCCCACAAAGGTACCCTTGAGGGATTCAAGGTGGAGACAGCAGATCTGAA[G>A]GAGGTGCTGGCCGGGAAGGAGGATTCCGAGCACCGTCTGGTGCTGGAGCTGGAGAGCCTG-3'
Protein context (NP_006022.3, residues 1338-1358): EGFKVETADL[Lys1348=]EVLAGKEDSE